The following is an entry in ClinVar:

ClinVar aggregate classification (germline): Uncertain significance (1 of 4 stars; one submission).

Allele frequency attached by ClinVar (database versions not stated): TOPMed below 0.00001.
gnomAD v4.1: 5 of 1,606,746 alleles (0.00031%); highest among the groups gnomAD compares: Middle Eastern, 0.017%; no homozygotes.

Submission:

Labcorp Genetics (formerly Invitae), Labcorp
Classification: Uncertain significance. Last evaluated: 2022-04-12. Review status: criteria provided, single submitter. Criteria: Invitae Variant Classification Sherloc (09022015). Collection method: clinical testing. Allele origin: germline.
Comment: This sequence change replaces proline, which is neutral and non-polar, with leucine, which is neutral and non-polar, at codon 402 of the MPDZ protein (p.Pro402Leu). The frequency data for this variant in the population databases is considered unreliable, as metrics indicate poor data quality at this position in the gnomAD database. This variant has not been reported in the literature in individuals affected with MPDZ-related conditions. Algorithms developed to predict the effect of missense changes on protein structure and function are either unavailable or do not agree on the potential impact of this missense change (SIFT: "Deleterious"; PolyPhen-2: "Possibly Damaging"; Align-GVGD: "Class C15"). In summary, the available evidence is currently insufficient to determine the role of this variant in disease. Therefore, it has been classified as a Variant of Uncertain Significance.

NM_001378778.1(MPDZ):c.1205C>T (p.Pro402Leu)

Gene: MPDZ (multiple PDZ domain crumbs cell polarity complex component; minus strand). Cytogenetic location: 9p23.
Variant type: single nucleotide variant.
Coding change: c.1205C>T on transcript NM_001378778.1 (MANE Select); coding-DNA position 1205, C replaced by T.
Protein change: p.Pro402Leu; replaces proline 402 with leucine.
Molecular consequence: missense variant.
Genome position (GRCh38, 1-based): chr9:13,216,859, G>A on the plus strand (C>T on the coding strand, the complement: MPDZ is on the minus strand). VCF-style: chr9-13216859-G-A. GRCh37 (hg19) VCF-style: chr9-13216858-G-A.
Other names: c.1205C>T, p.Pro402Leu (NM_001261406.2, NM_001261407.2, NM_001330637.2 and 14 more transcripts); short protein forms P402L.
Identifiers: ClinVar variation 1930183 (VCV001930183.2), dbSNP rs1310807967, ClinGen allele CA372944698.